The following is an entry in ClinVar:

ClinVar aggregate classification (germline): Uncertain significance. Review status: criteria provided, single submitter (1 of 4 stars). 2 submissions from 2 submitters: Uncertain significance (1). 1 of the submissions does not count toward it. Last evaluated 2020-03-10.

Conditions:
Spastic paraplegia 82, autosomal recessive (SPG82). Identifiers: Orphanet 631073, MedGen C5394037, MONDO:0032906, OMIM 618770.

Allele frequency attached by ClinVar (database versions not stated): gnomAD exomes below 0.00001; TOPMed below 0.00001; gnomAD 0.00002.
gnomAD v4.1: 13 of 1,613,472 alleles (0.00081%); highest among the groups gnomAD compares: Admixed American, 0.0033%; no homozygotes.

Submissions (2):

Labcorp Genetics (formerly Invitae), Labcorp
Classification: Uncertain significance. Last evaluated: 2020-03-10. Review status: criteria provided, single submitter. Criteria: Invitae Variant Classification Sherloc (09022015). Collection method: clinical testing. Allele origin: germline.
Comment: This sequence change replaces proline with leucine at codon 307 of the PCYT2 protein (p.Pro307Leu). The proline residue is highly conserved and there is a moderate physicochemical difference between proline and leucine. This variant is not present in population databases (ExAC no frequency). This variant has been observed in individual(s) with complex hereditary spastic paraplegia (PMID: 31637422). Algorithms developed to predict the effect of missense changes on protein structure and function are either unavailable or do not agree on the potential impact of this missense change (SIFT: "Deleterious"; PolyPhen-2: "Probably Damaging"; Align-GVGD: "Class C0"). In summary, the available evidence is currently insufficient to determine the role of this variant in disease. Therefore, it has been classified as a Variant of Uncertain Significance.

OMIM
Classification: Pathogenic for SPASTIC PARAPLEGIA 82, AUTOSOMAL RECESSIVE. Last evaluated: 2020-02-14. Review status: no assertion criteria provided. Collection method: literature only. Allele origin: germline. Not counted in ClinVar's aggregate classification.

Literature cited by the submitters: PubMed 31637422 (cited by Labcorp Genetics (formerly Invitae), Labcorp and OMIM).

NM_002861.5(PCYT2):c.866C>T (p.Pro289Leu)

Gene: PCYT2 (phosphate cytidylyltransferase 2, ethanolamine; minus strand). Cytogenetic location: 17q25.3.
Variant type: single nucleotide variant.
Coding change: c.866C>T on transcript NM_002861.5 (MANE Select); coding-DNA position 866, C replaced by T.
Protein change: p.Pro289Leu; replaces proline 289 with leucine.
Molecular consequence: missense variant.
Genome position (GRCh38, 1-based): chr17:81,905,707, G>A on the plus strand (C>T on the coding strand, the complement: PCYT2 is on the minus strand). VCF-style: chr17-81905707-G-A. GRCh37 (hg19) VCF-style: chr17-79863583-G-A.
Other names: H244Y; c.920C>T, p.Pro307Leu (NM_001184917.3); c.704C>T, p.Pro235Leu (NM_001256433.3); c.743C>T, p.Pro248Leu (NM_001256434.3); c.632C>T, p.Pro211Leu (NM_001256435.3, NM_001282203.2); c.770C>T, p.Pro257Leu (NM_001282204.2); c.866C>T, p.Pro289Leu (NM_001330518.2); short protein forms P211L, P235L, P248L, P257L, P289L, P307L.
Identifiers: ClinVar variation 812571 (VCV000812571.11), dbSNP rs1204173741, ClinGen allele CA401520202.